The following is an entry in ClinVar:

NM_000038.6(APC):c.2430G>C (p.Arg810Ser)

Gene: APC (APC regulator of Wnt signaling pathway; plus strand). Cytogenetic location: 5q22.2.
Variant type: single nucleotide variant.
Coding change: c.2430G>C on transcript NM_000038.6 (MANE Select); coding-DNA position 2430, G replaced by C.
Protein change: p.Arg810Ser; replaces arginine 810 with serine.
Molecular consequence: missense variant. On other transcripts: non-coding transcript variant (2).
Genome position (GRCh38, 1-based): chr5:112,838,024, G>C. VCF-style: chr5-112838024-G-C. GRCh37 (hg19) VCF-style: chr5-112173721-G-C.
Other names: c.2430G>C, p.Arg810Ser (NM_001127510.3, NM_001354895.2, NM_001407450.1); c.2376G>C, p.Arg792Ser (NM_001127511.3); c.2484G>C, p.Arg828Ser (NM_001354896.2, NM_001407447.1, NM_001407448.1 and 1 more transcripts); c.2460G>C, p.Arg820Ser (NM_001354897.2); c.2355G>C, p.Arg785Ser (NM_001354898.2); c.2346G>C, p.Arg782Ser (NM_001354899.2); c.2307G>C, p.Arg769Ser (NM_001354900.2); c.2253G>C, p.Arg751Ser (NM_001354901.2, NM_001407453.1); and 11 more; short protein forms R426S, R527S, R650S, R681S, R684S, R709S, R719S, R727S.
Identifiers: ClinVar variation 3224520 (VCV003224520.1), dbSNP rs762388673, ClinGen allele CA16026670.
Genomic context (GRCh38, chr5:112,838,024, plus strand): 5'-ACACAAGCAAAGTCTCTATGGTGATTATGTTTTTGACACCAATCGACATGATGATAATAG[G>C]TCAGACAATTTTAATACTGGCAACATGACTGTCCTTTCACCATATTTGAATACTACAGTG-3'
Protein context (NP_000029.2, residues 800-820): VFDTNRHDDN[Arg810Ser]SDNFNTGNMT

ClinVar aggregate classification (germline): Uncertain significance (1 of 4 stars; one submission).

Conditions:
Hereditary cancer-predisposing syndrome. Also called: Tumor predisposition; Hereditary neoplastic syndrome; Hereditary Cancer Syndrome; Neoplastic Syndromes, Hereditary. Identifiers: Orphanet 140162, MedGen C0027672, MeSH D009386, MONDO:0015356.

Submission:

Ambry Genetics
Classification: Uncertain significance for Hereditary cancer-predisposing syndrome. Last evaluated: 2023-12-08. Review status: criteria provided, single submitter. Criteria: Ambry Variant Classification Scheme 2023. Collection method: clinical testing. Allele origin: germline.
Comment: The p.R810S variant (also known as c.2430G>C), located in coding exon 15 of the APC gene, results from a G to C substitution at nucleotide position 2430. The arginine at codon 810 is replaced by serine, an amino acid with dissimilar properties. This amino acid position is conserved. In addition, in silico predictors for this gene do not accurately predict pathogenicity. Since supporting evidence is limited at this time, the clinical significance of this alteration remains unclear.